The following is an entry in ClinVar:

NM_012424.6(RPS6KC1):c.20G>T (p.Arg7Leu)

Genes: RPS6KC1 (ribosomal protein S6 kinase C1; plus strand), LOC129932493 (ATAC-STARR-seq lymphoblastoid silent region 1809; plus strand). Cytogenetic location: 1q32.3.
Variant type: single nucleotide variant.
Coding change: c.20G>T on transcript NM_012424.6 (MANE Select); coding-DNA position 20, G replaced by T.
Protein change: p.Arg7Leu; replaces arginine 7 with leucine.
Molecular consequence: missense variant. On other transcripts: 5 prime UTR variant (27), non-coding transcript variant (4).
Genome position (GRCh38, 1-based): chr1:213,051,424, G>T. VCF-style: chr1-213051424-G-T. GRCh37 (hg19) VCF-style: chr1-213224766-G-T.
Other names: c.20G>T, p.Arg7Leu (NM_001136138.4, NM_001349646.2, NM_001349647.2); c.-602G>T (NM_001287218.3, NM_001349653.2); c.-641G>T (NM_001287219.3, NM_001349649.2); c.-1195G>T (NM_001287220.3); c.-403G>T (NM_001287221.3); c.-593G>T (NM_001349648.2); c.-719G>T (NM_001349650.2, NM_001349654.2); c.-840G>T (NM_001349651.2); and 16 more; short protein forms R7L.
Identifiers: ClinVar variation 1941338 (VCV001941338.5), dbSNP rs1357449306, ClinGen allele CA344812185.

ClinVar aggregate classification (germline): Uncertain significance (1 of 4 stars; one submission).

Allele frequency attached by ClinVar (database versions not stated): gnomAD exomes below 0.00001.
gnomAD v4.1: 2 of 1,613,180 alleles (0.00012%); highest among the groups gnomAD compares: Admixed American, 0.0033%; no homozygotes.

Submission:

Labcorp Genetics (formerly Invitae), Labcorp
Classification: Uncertain significance. Last evaluated: 2026-01-19. Review status: criteria provided, single submitter. Criteria: Invitae Variant Classification Sherloc (09022015). Collection method: clinical testing. Allele origin: germline.
Comment: This sequence change replaces arginine, which is basic and polar, with leucine, which is neutral and non-polar, at codon 7 of the RPS6KC1 protein (p.Arg7Leu). This variant is present in population databases (no rsID available, gnomAD 0.006%). This variant has not been reported in the literature in individuals affected with RPS6KC1-related conditions. ClinVar contains an entry for this variant (Variation ID: 1941338). An algorithm developed to predict the effect of missense changes on protein structure and function (PolyPhen-2) suggests that this variant is likely to be tolerated. In summary, the available evidence is currently insufficient to determine the role of this variant in disease. Therefore, it has been classified as a Variant of Uncertain Significance.